The following is an entry in ClinVar:

ClinVar aggregate classification (germline): Conflicting classifications of pathogenicity. Review status: criteria provided, conflicting classifications (1 of 4 stars). 2 submissions from 2 submitters: Likely pathogenic (1); Uncertain significance (1). Last evaluated 2025-08-28.

Conditions:
Familial thoracic aortic aneurysm and aortic dissection (TAAD). Also called: Thoracic aortic aneurysms and dissections. Identifiers: Orphanet 91387, MedGen C4707243, MONDO:0019625.

Submissions (2):

Ambry Genetics
Classification: Uncertain significance for Familial thoracic aortic aneurysm and aortic dissection. Last evaluated: 2025-08-28. Review status: criteria provided, single submitter. Criteria: Ambry Variant Classification Scheme 2023. Collection method: clinical testing. Allele origin: germline.
Comment: The p.S70Y variant (also known as c.209C>A), located in coding exon 2 of the SMAD3 gene, results from a C to A substitution at nucleotide position 209. The serine at codon 70 is replaced by tyrosine, an amino acid with dissimilar properties. This amino acid position is conserved. In addition, this alteration is predicted to be deleterious by in silico analysis. Based on the available evidence, the clinical significance of this variant remains unclear.

Labcorp Genetics (formerly Invitae), Labcorp
Classification: Likely pathogenic for Familial thoracic aortic aneurysm and aortic dissection. Last evaluated: 2022-09-12. Review status: criteria provided, single submitter. Criteria: Invitae Variant Classification Sherloc (09022015). Collection method: clinical testing. Allele origin: germline.
Comment: This missense change has been observed in individual(s) with clinical features of Loeys-Dietz syndrome (Invitae). In at least one individual the variant was observed to be de novo. This variant is not present in population databases (gnomAD no frequency). This sequence change replaces serine, which is neutral and polar, with tyrosine, which is neutral and polar, at codon 70 of the SMAD3 protein (p.Ser70Tyr). ClinVar contains an entry for this variant (Variation ID: 1066957). Algorithms developed to predict the effect of missense changes on protein structure and function are either unavailable or do not agree on the potential impact of this missense change (SIFT: "Not Available"; PolyPhen-2: "Benign"; Align-GVGD: "Not Available"). In summary, the currently available evidence indicates that the variant is pathogenic, but additional data are needed to prove that conclusively. Therefore, this variant has been classified as Likely Pathogenic.

NM_005902.4(SMAD3):c.209C>A (p.Ser70Tyr)

Gene: SMAD3 (SMAD family member 3; plus strand). Cytogenetic location: 15q22.33.
Variant type: single nucleotide variant.
Coding change: c.209C>A on transcript NM_005902.4 (MANE Select); coding-DNA position 209, C replaced by A.
Protein change: p.Ser70Tyr; replaces serine 70 with tyrosine.
Molecular consequence: missense variant. On other transcripts: 5 prime UTR variant (1).
Genome position (GRCh38, 1-based): chr15:67,164,897, C>A. VCF-style: chr15-67164897-C-A. GRCh37 (hg19) VCF-style: chr15-67457235-C-A.
Other names: c.-107C>A (NM_001145102.2); c.77C>A, p.Ser26Tyr (NM_001145103.2); c.209C>A (NM_005902.3); short protein forms S26Y, S70Y.
Identifiers: ClinVar variation 1066957 (VCV001066957.10), dbSNP rs2140293635, ClinGen allele CA392953423.
Genomic context (GRCh38, chr15:67,164,897, plus strand): 5'-GCAGAAAGCAAGCACAATCCACATTTCCCTCTCTTTCTGCCCCTCCCCGTCCTGGCAGGT[C>A]CCTGGATGGCCGGTTGCAGGTGTCCCATCGGAAGGGGCTCCCTCATGTCATCTACTGCCG-3'
Protein context (NP_005893.1, residues 60-80): VNTKCITIPR[Ser70Tyr]LDGRLQVSHR